The following is an entry in ClinVar:

ClinVar aggregate classification (germline): Conflicting classifications of pathogenicity. Review status: criteria provided, conflicting classifications (1 of 4 stars). 2 submissions from 2 submitters: Likely pathogenic (1); Uncertain significance (1). Last evaluated 2024-01-26.

Conditions:
Ichthyosis linearis circumflexa. Identifiers: MedGen C0265962, MONDO:0043106, HP:0025810.
Netherton syndrome (NETH). Also called: ERYTHRODERMA, ICHTHYOSIFORM, WITH HYPOTRICHOSIS AND HYPER-IgE; COMEL-NETHERTON SYNDROME; NETHERTON DISEASE. Identifiers: Orphanet 634, MedGen C5574950, MONDO:0009735, OMIM 256500.

Allele frequency attached by ClinVar (database versions not stated): gnomAD exomes below 0.00001 and 0.00001; ExAC 0.00001.
gnomAD v4.1: 2 of 1,613,568 alleles (0.00012%); highest among the groups gnomAD compares: East Asian, 0.0045%; no homozygotes.

Submissions (2):

Fulgent Genetics
Classification: Likely pathogenic for Netherton syndrome. Last evaluated: 2024-01-26. Review status: criteria provided, single submitter. Criteria: ACMG Guidelines, 2015. Collection method: clinical testing. Allele origin: germline.

Labcorp Genetics (formerly Invitae), Labcorp
Classification: Uncertain significance for Ichthyosis linearis circumflexa. Last evaluated: 2020-10-18. Review status: criteria provided, single submitter. Criteria: Invitae Variant Classification Sherloc (09022015). Collection method: clinical testing. Allele origin: germline.
Comment: This variant has been observed in individual(s) with clinical features of Netherton syndrome (Invitae). In summary, the available evidence is currently insufficient to determine the role of this variant in disease. Therefore, it has been classified as a Variant of Uncertain Significance. Algorithms developed to predict the effect of sequence changes on RNA splicing suggest that this variant may disrupt the consensus splice site, but this prediction has not been confirmed by published transcriptional studies. Algorithms developed to predict the effect of missense changes on protein structure and function (SIFT, PolyPhen-2, Align-GVGD) all suggest that this variant is likely to be tolerated, but these predictions have not been confirmed by published functional studies and their clinical significance is uncertain. This variant is present in population databases (rs778915520, ExAC 0.01%). This sequence change replaces glutamine with arginine at codon 27 of the SPINK5 protein (p.Gln27Arg). The glutamine residue is moderately conserved and there is a small physicochemical difference between glutamine and arginine.

NM_006846.4(SPINK5):c.80A>G (p.Gln27Arg)

Gene: SPINK5 (serine peptidase inhibitor Kazal type 5; plus strand). Cytogenetic location: 5q32.
Variant type: single nucleotide variant.
Coding change: c.80A>G on transcript NM_006846.4 (MANE Select); coding-DNA position 80, A replaced by G.
Protein change: p.Gln27Arg; replaces glutamine 27 with arginine.
Molecular consequence: missense variant.
Genome position (GRCh38, 1-based): chr5:148,065,371, A>G. VCF-style: chr5-148065371-A-G. GRCh37 (hg19) VCF-style: chr5-147444934-A-G.
Other names: c.80A>G, p.Gln27Arg (NM_001127698.2, NM_001127699.2); short protein forms Q27R.
Identifiers: ClinVar variation 1007080 (VCV001007080.11), dbSNP rs778915520, ClinGen allele CA3495094.